The following is an entry in ClinVar:

NM_199242.3(UNC13D):c.3158C>T (p.Pro1053Leu)

Gene: UNC13D (unc-13 homolog D; minus strand). Cytogenetic location: 17q25.1.
Variant type: single nucleotide variant.
Coding change: c.3158C>T on transcript NM_199242.3 (MANE Select); coding-DNA position 3158, C replaced by T.
Protein change: p.Pro1053Leu; replaces proline 1053 with leucine.
Molecular consequence: missense variant.
Genome position (GRCh38, 1-based): chr17:75,828,080, G>A on the plus strand (C>T on the coding strand, the complement: UNC13D is on the minus strand). VCF-style: chr17-75828080-G-A. GRCh37 (hg19) VCF-style: chr17-73824161-G-A.
Other names: c.3158C>T (NM_199242.2); short protein forms P1053L.
Identifiers: ClinVar variation 1417801 (VCV001417801.6), dbSNP rs2062136435, ClinGen allele CA401073838.

ClinVar aggregate classification (germline): Uncertain significance. Review status: criteria provided, multiple submitters, no conflicts (2 of 4 stars). 2 submissions from 2 submitters: Uncertain significance (2). Last evaluated 2022-12-23.

Conditions:
Familial hemophagocytic lymphohistiocytosis 3 (FHL3). Also called: UNC13D-Related Familial Hemophagocytic Lymphohistiocytosis (UNC13D-fHLH). Identifiers: Orphanet 540, MedGen C1837174, MONDO:0012146, OMIM 608898.
Inborn genetic diseases. Identifiers: MedGen C0950123, MeSH D030342.

Allele frequency attached by ClinVar (database versions not stated): TOPMed 0.00005; gnomAD exomes below 0.00001; gnomAD 0.00001.

Submissions (2):

Ambry Genetics
Classification: Uncertain significance for Inborn genetic diseases. Last evaluated: 2022-12-23. Review status: criteria provided, single submitter. Criteria: Ambry Variant Classification Scheme 2023. Collection method: clinical testing. Allele origin: germline.

Labcorp Genetics (formerly Invitae), Labcorp
Classification: Uncertain significance for Familial hemophagocytic lymphohistiocytosis 3. Last evaluated: 2022-03-28. Review status: criteria provided, single submitter. Criteria: Invitae Variant Classification Sherloc (09022015). Collection method: clinical testing. Allele origin: germline.
Comment: This sequence change replaces proline, which is neutral and non-polar, with leucine, which is neutral and non-polar, at codon 1053 of the UNC13D protein (p.Pro1053Leu). This variant is not present in population databases (gnomAD no frequency). This variant has not been reported in the literature in individuals affected with UNC13D-related conditions. Algorithms developed to predict the effect of missense changes on protein structure and function output the following: SIFT: "Not Available"; PolyPhen-2: "Benign"; Align-GVGD: "Not Available". The leucine amino acid residue is found in multiple mammalian species, which suggests that this missense change does not adversely affect protein function. In summary, the available evidence is currently insufficient to determine the role of this variant in disease. Therefore, it has been classified as a Variant of Uncertain Significance.